The following is an entry in ClinVar:

NM_003849.4(SUCLG1):c.788A>G (p.Glu263Gly)

Gene: SUCLG1 (succinate-CoA ligase GDP/ADP-forming subunit alpha; minus strand). Cytogenetic location: 2p11.2.
Variant type: single nucleotide variant.
Coding change: c.788A>G on transcript NM_003849.4 (MANE Select); coding-DNA position 788, A replaced by G.
Protein change: p.Glu263Gly; replaces glutamic acid 263 with glycine.
Molecular consequence: missense variant.
Genome position (GRCh38, 1-based): chr2:84,431,545, T>C on the plus strand (A>G on the coding strand, the complement: SUCLG1 is on the minus strand). VCF-style: chr2-84431545-T-C. GRCh37 (hg19) VCF-style: chr2-84658669-T-C.
Other names: short protein forms E263G.
Identifiers: ClinVar variation 1042506 (VCV001042506.6), dbSNP rs1344182662, ClinGen allele CA347514960.

ClinVar aggregate classification (germline): Conflicting classifications of pathogenicity. Review status: criteria provided, conflicting classifications (1 of 4 stars). 2 submissions from 2 submitters: Pathogenic (1); Uncertain significance (1). Last evaluated 2026-02-01.

Conditions:
SUCLG1-related disorder. Also called: SUCLG1-related condition.
Mitochondrial DNA depletion syndrome 9 (MTDPS9). Also called: SUCLG1-Related Mitochondrial DNA Depletion Syndrome, Encephalomyopathic Form with Methylmalonic Aciduria. Identifiers: Orphanet 17, MedGen C3151476, MONDO:0009504, OMIM 245400.

Allele frequency attached by ClinVar (database versions not stated): gnomAD 0.00001; gnomAD exomes 0.00001 and 0.00002; TOPMed 0.00002.
gnomAD v4.1: 7 of 1,613,950 alleles (0.00043%); highest among the groups gnomAD compares: Admixed American, 0.012%; no homozygotes.

Submissions (2):

Labcorp Genetics (formerly Invitae), Labcorp
Classification: Uncertain significance for Mitochondrial DNA depletion syndrome 9. Last evaluated: 2026-02-01. Review status: criteria provided, single submitter. Criteria: Invitae Variant Classification Sherloc (09022015). Collection method: clinical testing. Allele origin: germline.
Comment: This sequence change replaces glutamic acid, which is acidic and polar, with glycine, which is neutral and non-polar, at codon 263 of the SUCLG1 protein (p.Glu263Gly). This variant is present in population databases (no rsID available, gnomAD 0.01%). This missense change has been observed in individual(s) with clinical features of mitochondrial DNA depletion syndrome (PMID: 26827111, 27896121). ClinVar contains an entry for this variant (Variation ID: 1042506). Invitae Evidence Modeling of protein sequence and biophysical properties (such as structural, functional, and spatial information, amino acid conservation, physicochemical variation, residue mobility, and thermodynamic stability) has been performed for this missense variant. However, the output from this modeling did not meet the statistical confidence thresholds required to predict the impact of this variant on SUCLG1 protein function. This variant disrupts the p.Glu263 amino acid residue in SUCLG1. Other variant(s) that disrupt this residue have been observed in individuals with SUCLG1-related conditions (PMID: 26475597), which suggests that this may be a clinically significant amino acid residue. In summary, the available evidence is currently insufficient to determine the role of this variant in disease. Therefore, it has been classified as a Variant of Uncertain Significance.

Blueprint Genetics
Classification: Pathogenic for SUCLG1-related disorders. Last evaluated: 2020-04-09. Review status: criteria provided, single submitter. Criteria: ACMG Guidelines, 2015. Collection method: clinical testing. Allele origin: germline. Affected: yes. Observed: 2 variant alleles.

Literature cited by the submitters: PubMed 26827111 (cited by Labcorp Genetics (formerly Invitae), Labcorp); PubMed 27896121 (cited by Labcorp Genetics (formerly Invitae), Labcorp); PubMed 26475597 (cited by Labcorp Genetics (formerly Invitae), Labcorp).